The following is an entry in ClinVar:

ClinVar aggregate classification (germline): Pathogenic. Review status: criteria provided, multiple submitters, no conflicts (2 of 4 stars). 3 submissions from 3 submitters: Pathogenic (3). Last evaluated 2024-12-03.

Conditions:
Familial adenomatous polyposis 4 (FAP4). Also called: MSH3-related attenuated familial adenomatous polyposis. Identifiers: Orphanet 480536, MedGen C4310719, MONDO:0044300, OMIM 617100.
Hereditary cancer-predisposing syndrome. Also called: Tumor predisposition; Hereditary neoplastic syndrome; Neoplastic Syndromes, Hereditary; Hereditary Cancer Syndrome. Identifiers: Orphanet 140162, MedGen C0027672, MeSH D009386, MONDO:0015356.

Allele frequency attached by ClinVar (database versions not stated): gnomAD exomes below 0.00001; TOPMed below 0.00001; gnomAD 0.00001.

Submissions (3):

Ambry Genetics
Classification: Pathogenic for Hereditary cancer-predisposing syndrome. Last evaluated: 2024-12-03. Review status: criteria provided, single submitter. Criteria: Ambry Variant Classification Scheme 2023. Collection method: clinical testing. Allele origin: germline.
Comment: The p.Q241* pathogenic mutation (also known as c.721C>T), located in coding exon 4 of the MSH3 gene, results from a C to T substitution at nucleotide position 721. This changes the amino acid from a glutamine to a stop codon within coding exon 4. This variant is considered to be rare based on population cohorts in the Genome Aggregation Database (gnomAD). This alteration is expected to result in loss of function by premature protein truncation or nonsense-mediated mRNA decay. As such, this alteration is interpreted as a disease-causing mutation.

Myriad Genetics, Inc.
Classification: Pathogenic for Familial adenomatous polyposis 4. Last evaluated: 2023-08-29. Review status: criteria provided, single submitter. Criteria: Myriad Autosomal Dominant, Autosomal Recessive and X-Linked Classification Criteria (2023). Collection method: clinical testing. Allele origin: unknown.
Comment: This variant is considered pathogenic. This variant creates a termination codon and is predicted to result in premature protein truncation.

Labcorp Genetics (formerly Invitae), Labcorp
Classification: Pathogenic. Last evaluated: 2022-10-04. Review status: criteria provided, single submitter. Criteria: Invitae Variant Classification Sherloc (09022015). Collection method: clinical testing. Allele origin: germline.
Comment: For these reasons, this variant has been classified as Pathogenic. ClinVar contains an entry for this variant (Variation ID: 1072068). This variant has not been reported in the literature in individuals affected with MSH3-related conditions. This variant is not present in population databases (gnomAD no frequency). This sequence change creates a premature translational stop signal (p.Gln241*) in the MSH3 gene. It is expected to result in an absent or disrupted protein product. Loss-of-function variants in MSH3 are known to be pathogenic (PMID: 27476653).

Literature cited by the submitters: PubMed 27476653 (cited by Labcorp Genetics (formerly Invitae), Labcorp).

NM_002439.5(MSH3):c.721C>T (p.Gln241Ter)

Gene: MSH3 (mutS homolog 3; plus strand). Cytogenetic location: 5q14.1.
Variant type: single nucleotide variant.
Coding change: c.721C>T on transcript NM_002439.5 (MANE Select); coding-DNA position 721, C replaced by T.
Protein change: p.Gln241Ter; replaces glutamine 241 with a stop codon.
Molecular consequence: nonsense.
Genome position (GRCh38, 1-based): chr5:80,670,238, C>T. VCF-style: chr5-80670238-C-T. GRCh37 (hg19) VCF-style: chr5-79966057-C-T.
Other names: short protein forms Q241*.
Identifiers: ClinVar variation 1072068 (VCV001072068.11), dbSNP rs1481996174, ClinGen allele CA360266872.